The following is an entry in ClinVar:

ClinVar aggregate classification (germline): Uncertain significance. Review status: criteria provided, multiple submitters, no conflicts (2 of 4 stars). 2 submissions from 2 submitters: Uncertain significance (2). Last evaluated 2025-09-22.

Conditions:
Hereditary cancer-predisposing syndrome. Also called: Hereditary Cancer Syndrome; Tumor predisposition; Neoplastic Syndromes, Hereditary; Hereditary neoplastic syndrome. Identifiers: Orphanet 140162, MedGen C0027672, MeSH D009386, MONDO:0015356.
Gastrointestinal stromal tumor. Also called: Gastrointestinal stromal tumor, somatic; Gastrointestinal stroma tumor. Identifiers: Orphanet 44890, MedGen C0238198, MeSH D046152, MONDO:0011719, OMIM 606764, HP:0100723.

Allele frequency attached by ClinVar (database versions not stated): TOPMed below 0.00001; gnomAD 0.00001.
gnomAD v4.1: 18 of 1,613,668 alleles (0.0011%); highest among the groups gnomAD compares: Non-Finnish European, 0.0014%; no homozygotes.

Submissions (2):

Ambry Genetics
Classification: Uncertain significance for Hereditary cancer-predisposing syndrome. Last evaluated: 2025-09-22. Review status: criteria provided, single submitter. Criteria: Ambry Variant Classification Scheme 2023. Collection method: clinical testing. Allele origin: germline.

Labcorp Genetics (formerly Invitae), Labcorp
Classification: Uncertain significance for Gastrointestinal stromal tumor. Last evaluated: 2024-04-05. Review status: criteria provided, single submitter. Criteria: Invitae Variant Classification Sherloc (09022015). Collection method: clinical testing. Allele origin: germline.
Comment: This sequence change replaces histidine, which is basic and polar, with glutamine, which is neutral and polar, at codon 696 of the PDGFRA protein (p.His696Gln). This variant is present in population databases (no rsID available, gnomAD 0.0009%). This variant has not been reported in the literature in individuals affected with PDGFRA-related conditions. ClinVar contains an entry for this variant (Variation ID: 578834). Advanced modeling of protein sequence and biophysical properties (such as structural, functional, and spatial information, amino acid conservation, physicochemical variation, residue mobility, and thermodynamic stability) performed at Invitae indicates that this missense variant is not expected to disrupt PDGFRA protein function with a negative predictive value of 80%. In summary, the available evidence is currently insufficient to determine the role of this variant in disease. Therefore, it has been classified as a Variant of Uncertain Significance.

NM_006206.6(PDGFRA):c.2088C>G (p.His696Gln)

Gene: PDGFRA (platelet derived growth factor receptor alpha; plus strand). Cytogenetic location: 4q12.
Variant type: single nucleotide variant.
Coding change: c.2088C>G on transcript NM_006206.6 (MANE Select); coding-DNA position 2088, C replaced by G.
Protein change: p.His696Gln; replaces histidine 696 with glutamine.
Molecular consequence: missense variant.
Genome position (GRCh38, 1-based): chr4:54,278,447, C>G. VCF-style: chr4-54278447-C-G. GRCh37 (hg19) VCF-style: chr4-55144614-C-G.
Other names: c.2088C>G, p.His696Gln (NM_001347827.2, NM_001347829.2); c.2163C>G, p.His721Gln (NM_001347828.2); c.2127C>G, p.His709Gln (NM_001347830.2); short protein forms H696Q, H709Q, H721Q.
Identifiers: ClinVar variation 578834 (VCV000578834.7), dbSNP rs765377444, ClinGen allele CA356894019.